The following is an entry in ClinVar:

ClinVar aggregate classification (germline): Uncertain significance (1 of 4 stars; one submission).

gnomAD v4.1: 1 of 1,614,210 alleles (0.000062%); highest among the groups gnomAD compares: South Asian, 0.0011%; no homozygotes.

Submission:

Labcorp Genetics (formerly Invitae), Labcorp
Classification: Uncertain significance. Last evaluated: 2021-10-20. Review status: criteria provided, single submitter. Criteria: Invitae Variant Classification Sherloc (09022015). Collection method: clinical testing. Allele origin: germline.
Comment: In summary, the available evidence is currently insufficient to determine the role of this variant in disease. Therefore, it has been classified as a Variant of Uncertain Significance. Algorithms developed to predict the effect of missense changes on protein structure and function are either unavailable or do not agree on the potential impact of this missense change (SIFT: "Deleterious"; PolyPhen-2: "Probably Damaging"; Align-GVGD: "Class C0"). This variant has not been reported in the literature in individuals affected with CCDC8-related conditions. This variant is present in population databases (rs199580829, gnomAD 0.003%). This sequence change replaces arginine, which is basic and polar, with glycine, which is neutral and non-polar, at codon 485 of the CCDC8 protein (p.Arg485Gly).

NM_032040.5(CCDC8):c.1453C>G (p.Arg485Gly)

Gene: CCDC8 (coiled-coil domain containing 8 subunit of 3M complex; minus strand). Cytogenetic location: 19q13.32.
Variant type: single nucleotide variant.
Coding change: c.1453C>G on transcript NM_032040.5 (MANE Select); coding-DNA position 1453, C replaced by G.
Protein change: p.Arg485Gly; replaces arginine 485 with glycine.
Molecular consequence: missense variant.
Genome position (GRCh38, 1-based): chr19:46,411,358, G>C on the plus strand (C>G on the coding strand, the complement: CCDC8 is on the minus strand). VCF-style: chr19-46411358-G-C. GRCh37 (hg19) VCF-style: chr19-46914615-G-C.
Other names: short protein forms R485G.
Identifiers: ClinVar variation 1388156 (VCV001388156.6), dbSNP rs199580829, ClinGen allele CA9528484.